The following is an entry in ClinVar:

NM_003995.4(NPR2):c.2560G>T (p.Ala854Ser)

Gene: NPR2 (natriuretic peptide receptor 2; plus strand). Cytogenetic location: 9p13.3.
Variant type: single nucleotide variant.
Coding change: c.2560G>T on transcript NM_003995.4 (MANE Select); coding-DNA position 2560, G replaced by T.
Protein change: p.Ala854Ser; replaces alanine 854 with serine.
Molecular consequence: missense variant.
Genome position (GRCh38, 1-based): chr9:35,807,063, G>T. VCF-style: chr9-35807063-G-T. GRCh37 (hg19) VCF-style: chr9-35807060-G-T.
Other names: short protein forms A854S.
Identifiers: ClinVar variation 848001 (VCV000848001.10), dbSNP rs1245545691, ClinGen allele CA373380918.
Genomic context (GRCh38, chr9:35,807,063, plus strand): 5'-ACGGCACCCTTGCTTCCTAGTTCAGTGGCAGAGCAGTTAAAACGGGGAGAGACTGTACAG[G>T]CTGAGGCCTTTGACAGTGTTACCATCTACTTCAGTGACATTGTTGGCTTCACAGCATTGT-3'
Protein context (NP_003986.2, residues 844-864): EQLKRGETVQ[Ala854Ser]EAFDSVTIYF

ClinVar aggregate classification (germline): Uncertain significance (1 of 4 stars; one submission).

Conditions:
Acromesomelic dysplasia 1, Maroteaux type (AMD1). Also called: ST. HELENA DYSPLASIA; ACROMESOMELIC DYSPLASIA 1. Identifiers: Orphanet 40, MedGen C1864356, MONDO:0011275, OMIM 602875.
Tall stature-scoliosis-macrodactyly of the great toes syndrome. Also called: Epiphyseal chondrodysplasia, miura type. Identifiers: Orphanet 329191, MedGen C4014690, MONDO:0014401, OMIM 615923.

Allele frequency attached by ClinVar (database versions not stated): gnomAD exomes below 0.00001.
gnomAD v4.1: 1 of 1,613,782 alleles (0.000062%); highest among the groups gnomAD compares: Admixed American, 0.0017%; no homozygotes.

Submission:

Labcorp Genetics (formerly Invitae), Labcorp
Classification: Uncertain significance for Tall stature-scoliosis-macrodactyly of the great toes syndrome; Acromesomelic dysplasia 1, Maroteaux type. Last evaluated: 2020-03-29. Review status: criteria provided, single submitter. Criteria: Invitae Variant Classification Sherloc (09022015). Collection method: clinical testing. Allele origin: germline.
Comment: In summary, the available evidence is currently insufficient to determine the role of this variant in disease. Therefore, it has been classified as a Variant of Uncertain Significance. Algorithms developed to predict the effect of missense changes on protein structure and function (SIFT, PolyPhen-2, Align-GVGD) all suggest that this variant is likely to be disruptive, but these predictions have not been confirmed by published functional studies and their clinical significance is uncertain. This variant has not been reported in the literature in individuals with NPR2-related conditions. This variant is not present in population databases (ExAC no frequency). This sequence change replaces alanine with serine at codon 854 of the NPR2 protein (p.Ala854Ser). The alanine residue is highly conserved and there is a moderate physicochemical difference between alanine and serine.